The following is an entry in ClinVar:

ClinVar aggregate classification (germline): Conflicting classifications of pathogenicity. Review status: criteria provided, conflicting classifications (1 of 4 stars). 6 submissions from 6 submitters: Likely pathogenic (1); Uncertain significance (3); Likely benign (2). Last evaluated 2026-09-17.

Conditions:
Factor I deficiency (CFID). Also called: Complement factor I deficiency. Identifiers: Orphanet 200418, MedGen C3463916, MONDO:0012594, OMIM 610984.
Age related macular degeneration 13. Identifiers: MedGen C3809523, MONDO:0014189, OMIM 615439.
Atypical hemolytic-uremic syndrome with I factor anomaly. Also called: HEMOLYTIC UREMIC SYNDROME, ATYPICAL, SUSCEPTIBILITY TO, 3; AHUS, SUSCEPTIBILITY TO, 3. Identifiers: Orphanet 2134, MedGen C2752039, MONDO:0013041, OMIM 612923.
CFI-related disorder. Also called: CFI-related disorders; CFI-related condition. Identifiers: MedGen CN239325.

Allele frequency attached by ClinVar (database versions not stated): ExAC 0.00003; gnomAD exomes 0.00005 and 0.00022; gnomAD 0.00006; ESP Exome Variant Server 0.00008; TOPMed 0.00008; 1000 Genomes Project 30x 0.00016; 1000 Genomes Project 0.00020.
gnomAD v4.1: 320 of 1,613,894 alleles (0.02%); highest among the groups gnomAD compares: Non-Finnish European, 0.027%; no homozygotes.

Submissions (6):

Genomenon, Inc
Classification: Likely pathogenic for CFI-related disorder. Last evaluated: 2026-09-17. Review status: criteria provided, single submitter. Criteria: Genomenon Sequence Variant Interpretation Standards - Updated. Collection method: curation. Allele origin: germline. Affected: yes.
Comment: CFI p.Gly287Arg (c.859G>A) is a missense variant that changes the amino acid at codon 287 from Glycine to Arginine. This variant has been observed in at least one proband affected with a CFI-related disorder (PMID:27268256;32510551;28750931;25899302;20513133). At least one functional study has demonstrated a substantial alteration in protein function relative to the wild-type (PMID:32510551). It is absent or not present at a significant frequency in gnomAD. In silico models predict that this variant is possibly or probably damaging. In conclusion, we classify CFI p.Gly287Arg (c.859G>A) as a likely pathogenic variant.

Labcorp Genetics (formerly Invitae), Labcorp
Classification: Uncertain significance. Last evaluated: 2025-12-22. Review status: criteria provided, single submitter. Criteria: Invitae Variant Classification Sherloc (09022015). Collection method: clinical testing. Allele origin: germline.
Comment: This sequence change replaces glycine, which is neutral and non-polar, with arginine, which is basic and polar, at codon 287 of the CFI protein (p.Gly287Arg). This variant is present in population databases (rs182078921, gnomAD 0.009%). This missense change has been observed in individual(s) with age-related macular degeneration and/or atypical hemolytic uremic syndrome (PMID: 20513133, 24029428, 27268256, 28282489, 28750931, 32510551). ClinVar contains an entry for this variant (Variation ID: 347166). Invitae Evidence Modeling of protein sequence and biophysical properties (such as structural, functional, and spatial information, amino acid conservation, physicochemical variation, residue mobility, and thermodynamic stability) has been performed for this missense variant. However, the output from this modeling did not meet the statistical confidence thresholds required to predict the impact of this variant on CFI protein function. Experimental studies have shown that this missense change affects CFI function (PMID: 32510551). In summary, the available evidence is currently insufficient to determine the role of this variant in disease. Therefore, it has been classified as a Variant of Uncertain Significance.

Fulgent Genetics
Classification: Uncertain significance for Factor I deficiency; Atypical hemolytic-uremic syndrome with I factor anomaly; Age related macular degeneration 13. Last evaluated: 2024-02-20. Review status: criteria provided, single submitter. Criteria: ACMG Guidelines, 2015. Collection method: clinical testing. Allele origin: germline.

Blueprint Genetics
Classification: Uncertain significance. Last evaluated: 2022-09-28. Review status: criteria provided, single submitter. Criteria: ACMG Guidelines, 2015. Collection method: clinical testing. Allele origin: germline.

GeneDx
Classification: Likely benign. Last evaluated: 2017-11-17. Review status: criteria provided, single submitter. Criteria: GeneDx Variant Classification (06012015). Collection method: clinical testing. Allele origin: germline. Affected: yes.
Comment: This variant is considered likely benign or benign based on one or more of the following criteria: it is a conservative change, it occurs at a poorly conserved position in the protein, it is predicted to be benign by multiple in silico algorithms, and/or has population frequency not consistent with disease.

Illumina Laboratory Services, Illumina
Classification: Likely benign for CFI-Related Disorders. Last evaluated: 2017-04-28. Review status: criteria provided, single submitter. Criteria: ICSL Variant Classification Criteria 13 December 2019. Collection method: clinical testing. Allele origin: germline.
Comment: This variant was observed as part of a predisposition screen in an ostensibly healthy population. A literature search was performed for the gene, cDNA change, and amino acid change (where applicable). Publications were found based on this search. The evidence from the literature, in combination with allele frequency data from public databases where available, was sufficient to determine this variant is unlikely to cause disease. Therefore, this variant is classified as likely benign.

Literature cited by the submitters: PubMed 27268256 (cited by 3 submitters); PubMed 32510551 (cited by Genomenon, Inc and Labcorp Genetics (formerly Invitae), Labcorp); PubMed 28750931 (cited by Genomenon, Inc and Labcorp Genetics (formerly Invitae), Labcorp); PubMed 25899302 (cited by Genomenon, Inc and Illumina Laboratory Services, Illumina); PubMed 20513133 (cited by 3 submitters); PubMed 24029428 (cited by Labcorp Genetics (formerly Invitae), Labcorp and Illumina Laboratory Services, Illumina); PubMed 28282489 (cited by Labcorp Genetics (formerly Invitae), Labcorp); PubMed 23847193 (cited by Illumina Laboratory Services, Illumina); PubMed 20301541 (cited by Illumina Laboratory Services, Illumina); PubMed 24036952 (cited by Illumina Laboratory Services, Illumina); PubMed 25788521 (cited by Illumina Laboratory Services, Illumina).

NM_000204.5(CFI):c.859G>A (p.Gly287Arg)

Gene: CFI (complement factor I; minus strand). Cytogenetic location: 4q25.
Variant type: single nucleotide variant.
Coding change: c.859G>A on transcript NM_000204.5 (MANE Select); coding-DNA position 859, G replaced by A.
Protein change: p.Gly287Arg; replaces glycine 287 with arginine.
Molecular consequence: missense variant. On other transcripts: non-coding transcript variant (3).
Genome position (GRCh38, 1-based): chr4:109,760,294, C>T on the plus strand (G>A on the coding strand, the complement: CFI is on the minus strand). VCF-style: chr4-109760294-C-T. GRCh37 (hg19) VCF-style: chr4-110681450-C-T.
Other names: c.859G>A, p.Gly287Arg (NM_001318057.2, NM_001331035.2, NM_001375278.1 and 5 more transcripts); c.250G>A, p.Gly84Arg (NM_001375284.1); short protein forms G287R, G84R.
Identifiers: ClinVar variation 347166 (VCV000347166.13), dbSNP rs182078921, ClinGen allele CA3042151.